The following is an entry in ClinVar:

NM_003906.5(MCM3AP):c.349A>G (p.Ser117Gly)

Gene: MCM3AP (minichromosome maintenance complex component 3 associated protein; minus strand). Cytogenetic location: 21q22.3.
Variant type: single nucleotide variant.
Coding change: c.349A>G on transcript NM_003906.5 (MANE Select); coding-DNA position 349, A replaced by G.
Protein change: p.Ser117Gly; replaces serine 117 with glycine.
Molecular consequence: missense variant.
Genome position (GRCh38, 1-based): chr21:46,284,938, T>C on the plus strand (A>G on the coding strand, the complement: MCM3AP is on the minus strand). VCF-style: chr21-46284938-T-C. GRCh37 (hg19) VCF-style: chr21-47704852-T-C.
Other names: short protein forms S117G.
Identifiers: ClinVar variation 2192032 (VCV002192032.4), dbSNP rs1040002045, ClinGen allele CA321980641.

ClinVar aggregate classification (germline): Uncertain significance (1 of 4 stars; one submission).

Allele frequency attached by ClinVar (database versions not stated): gnomAD 0.00001.
gnomAD v4.1: 4 of 1,614,018 alleles (0.00025%); highest among the groups gnomAD compares: African/African-American, 0.0013%; no homozygotes.

Submission:

Labcorp Genetics (formerly Invitae), Labcorp
Classification: Uncertain significance. Last evaluated: 2022-06-23. Review status: criteria provided, single submitter. Criteria: Invitae Variant Classification Sherloc (09022015). Collection method: clinical testing. Allele origin: germline.
Comment: In summary, the available evidence is currently insufficient to determine the role of this variant in disease. Therefore, it has been classified as a Variant of Uncertain Significance. Algorithms developed to predict the effect of missense changes on protein structure and function (SIFT, PolyPhen-2, Align-GVGD) all suggest that this variant is likely to be tolerated. This variant has not been reported in the literature in individuals affected with MCM3AP-related conditions. This variant is present in population databases (no rsID available, gnomAD 0.01%). This sequence change replaces serine, which is neutral and polar, with glycine, which is neutral and non-polar, at codon 117 of the MCM3AP protein (p.Ser117Gly).